The following is an entry in ClinVar:

ClinVar aggregate classification (germline): Likely pathogenic (1 of 4 stars; one submission).

Conditions:
Progressive familial intrahepatic cholestasis type 2. Identifiers: Orphanet 79304, MedGen C3489789, MONDO:0011156, OMIM 601847.

Submission:

Natera, Inc.
Classification: Likely pathogenic for Progressive familial intrahepatic cholestasis type 2. Last evaluated: 2025-10-01. Review status: criteria provided, single submitter. Criteria: Natera Variant Classification Schema (03/2026). Collection method: clinical testing. Allele origin: germline.
Comment: The c.2428_2429dup variant in ABCB11 is a frameshift variant predicted to shift the reading frame beginning at codon 812 and leads to a stop codon 17 codons downstream. This variant is expected to result in nonsense mediated decay, truncation, or a dysfunctional protein product. This variant is rare in the general population with a frequency below the threshold expected for the associated phenotype(s). Given the available evidence, this variant is classified as Likely Pathogenic.

NM_003742.4(ABCB11):c.2428_2429dup (p.Thr812fs)

Gene: ABCB11 (ATP binding cassette subfamily B member 11; minus strand). Cytogenetic location: 2q31.1.
Variant type: Microsatellite.
Coding change: c.2428_2429dup on transcript NM_003742.4 (MANE Select); coding-DNA positions 2428 to 2429, 2 bases duplicated (CT; older notation c.2428_2429dupCT).
Protein change: p.Thr812fs; shifts the reading frame from threonine 812.
Molecular consequence: frameshift variant.
Genome position (GRCh38, 1-based): chr2:168,944,876-168,944,877, AG duplicated on the plus strand (CT on the coding strand, the reverse complement: ABCB11 is on the minus strand); duplicating any 2 consecutive bases within chr2:168,944,876-168,944,880 gives the same sequence; the c. name uses the placement nearest the transcript's 3' end. VCF-style (leftmost placement, unchanged base first): chr2-168944875-A-AAG. GRCh37 (hg19) VCF-style: chr2-169801385-A-AAG.
Other names: short protein forms T812fs.
Identifiers: ClinVar variation 4815270 (VCV004815270.1).
Genomic context (GRCh38, chr2:168,944,875, plus strand): 5'-GAAAAATAACTAAATCACTTACTGAAAAATAACATTTCTTACCTGTAGAAATTGGGTGAA[A>AAG]AGAGATACACAGCCCATTGCTACAAAAAGTAGGCACACACCATTGATCTGTGACCTTTGT-3'